The following is an entry in ClinVar:

ClinVar aggregate classification (germline): Likely benign (0 of 4 stars; one submission).

Conditions:
COL18A1-related disorder. Also called: COL18A1-related disorders; COL18A1-related condition.

gnomAD v4.1: 1 of 1,532,132 alleles (0.000065%); highest among the groups gnomAD compares: Non-Finnish European, 0.000088%; no homozygotes.

Submission:

PreventionGenetics, part of Exact Sciences
Classification: Likely benign for COL18A1-related condition. Last evaluated: 2024-09-03. Review status: no assertion criteria provided. Collection method: clinical testing. Allele origin: germline.
Comment: This variant is classified as likely benign based on ACMG/AMP sequence variant interpretation guidelines (Richards et al. 2015 PMID: 25741868, with internal and published modifications).

NM_001379500.1(COL18A1):c.107-11554C>G

Gene: COL18A1 (collagen type XVIII alpha 1 chain; plus strand). Cytogenetic location: 21q22.3.
Variant type: single nucleotide variant.
Coding change: c.107-11554C>G on transcript NM_001379500.1 (MANE Select); 11554 bases into the intron before coding-DNA position 107, C replaced by G.
Molecular consequence: intron variant. On other transcripts: synonymous variant (1).
Genome position (GRCh38, 1-based): chr21:45,456,688, C>G. VCF-style: chr21-45456688-C-G. GRCh37 (hg19) VCF-style: chr21-46876602-C-G.
Other names: c.1158C>G, p.Ala386= (NM_130444.3); c.646+512C>G (NM_030582.4).
Identifiers: ClinVar variation 3350449 (VCV003350449.1).